The following is an entry in ClinVar:

ClinVar aggregate classification (germline): Uncertain significance (1 of 4 stars; one submission).

Allele frequency attached by ClinVar (database versions not stated): gnomAD exomes below 0.00001.
gnomAD v4.1: 3 of 1,614,088 alleles (0.00019%); highest among the groups gnomAD compares: Non-Finnish European, 0.00025%; no homozygotes.

Submission:

Labcorp Genetics (formerly Invitae), Labcorp
Classification: Uncertain significance. Last evaluated: 2022-10-27. Review status: criteria provided, single submitter. Criteria: Invitae Variant Classification Sherloc (09022015). Collection method: clinical testing. Allele origin: germline.
Comment: In summary, the available evidence is currently insufficient to determine the role of this variant in disease. Therefore, it has been classified as a Variant of Uncertain Significance. Algorithms developed to predict the effect of missense changes on protein structure and function output the following: SIFT: "Tolerated"; PolyPhen-2: "Benign"; Align-GVGD: "Class C0". The cysteine amino acid residue is found in multiple mammalian species, which suggests that this missense change does not adversely affect protein function. This variant has not been reported in the literature in individuals affected with ATR-related conditions. This variant is not present in population databases (gnomAD no frequency). This sequence change replaces tyrosine, which is neutral and polar, with cysteine, which is neutral and slightly polar, at codon 723 of the ATR protein (p.Tyr723Cys).

NM_001184.4(ATR):c.2168A>G (p.Tyr723Cys)

Gene: ATR (ATR checkpoint kinase; minus strand). Cytogenetic location: 3q23.
Variant type: single nucleotide variant.
Coding change: c.2168A>G on transcript NM_001184.4 (MANE Select); coding-DNA position 2168, A replaced by G.
Protein change: p.Tyr723Cys; replaces tyrosine 723 with cysteine.
Molecular consequence: missense variant.
Genome position (GRCh38, 1-based): chr3:142,556,050, T>C on the plus strand (A>G on the coding strand, the complement: ATR is on the minus strand). VCF-style: chr3-142556050-T-C. GRCh37 (hg19) VCF-style: chr3-142274892-T-C.
Other names: c.1976A>G, p.Tyr659Cys (NM_001354579.2); short protein forms Y659C, Y723C.
Identifiers: ClinVar variation 2885684 (VCV002885684.3), dbSNP rs2034660027, ClinGen allele CA354818846.
Genomic context (GRCh38, chr3:142,556,050, plus strand): 5'-CTACAGAAGAGGTCCACATGTCCGTGTTCAGAGAAAGGTTCTGTTAAAGAACTTGTCAGA[T>C]AAAACATGCCGTGAAGAGTACAGACAAGTTGACCAAGTATAGAAGCAAATTCTTTCTTGA-3'
Protein context (NP_001175.2, residues 713-733): QLVCTLHGMF[Tyr723Cys]LTSSLTEPFS